The following is an entry in ClinVar:

NM_002529.4(NTRK1):c.914del (p.Val305fs)

Gene: NTRK1 (neurotrophic receptor tyrosine kinase 1; plus strand). Cytogenetic location: 1q23.1.
Variant type: Deletion.
Coding change: c.914del on transcript NM_002529.4 (MANE Select); coding-DNA position 914, one base deleted (T; older notation c.914delT).
Protein change: p.Val305fs; shifts the reading frame from valine 305.
Molecular consequence: frameshift variant.
Genome position (GRCh38, 1-based): chr1:156,873,696, T deleted. VCF-style (leftmost placement, unchanged base first): chr1-156873695-GT-G. GRCh37 (hg19) VCF-style: chr1-156843487-GT-G.
Other names: c.914delT, p.Val305Glyfs (NM_001007204.1); c.824del, p.Val275fs (NM_001007792.1); c.914del, p.Val305fs (NM_001012331.2); short protein forms V305fs, V275fs.
Identifiers: ClinVar variation 2021551 (VCV002021551.4), dbSNP rs2525614650, ClinGen allele CA2580061227.

ClinVar aggregate classification (germline): Pathogenic (1 of 4 stars; one submission).

Conditions:
Hereditary insensitivity to pain with anhidrosis (CIPA). Also called: NTRK1 Congenital Insensitivity to Pain with Anhidrosis; NEUROPATHY, CONGENITAL SENSORY, WITH ANHIDROSIS; HSAN Type IV; hereditary sensory and autonomic neuropathy type 4; FAMILIAL DYSAUTONOMIA, TYPE II; INSENSITIVITY TO PAIN, CONGENITAL, WITH ANHIDROSIS. Identifiers: Orphanet 642, MedGen C0020074, MONDO:0009746, OMIM 256800.

Submission:

Labcorp Genetics (formerly Invitae), Labcorp
Classification: Pathogenic for Hereditary insensitivity to pain with anhidrosis. Last evaluated: 2022-08-04. Review status: criteria provided, single submitter. Criteria: Invitae Variant Classification Sherloc (09022015). Collection method: clinical testing. Allele origin: germline.
Comment: For these reasons, this variant has been classified as Pathogenic. This variant has not been reported in the literature in individuals affected with NTRK1-related conditions. This variant is not present in population databases (gnomAD no frequency). This sequence change creates a premature translational stop signal (p.Val305Glyfs*159) in the NTRK1 gene. It is expected to result in an absent or disrupted protein product. Loss-of-function variants in NTRK1 are known to be pathogenic (PMID: 10982191).

Literature cited by the submitters: PubMed 10982191.